The following is an entry in ClinVar:

NM_005245.4(FAT1):c.9364G>A (p.Ala3122Thr)

Gene: FAT1 (FAT atypical cadherin 1; minus strand). Cytogenetic location: 4q35.2.
Variant type: single nucleotide variant.
Coding change: c.9364G>A on transcript NM_005245.4 (MANE Select); coding-DNA position 9364, G replaced by A.
Protein change: p.Ala3122Thr; replaces alanine 3122 with threonine.
Molecular consequence: missense variant.
Genome position (GRCh38, 1-based): chr4:186,613,208, C>T on the plus strand (G>A on the coding strand, the complement: FAT1 is on the minus strand). VCF-style: chr4-186613208-C-T. GRCh37 (hg19) VCF-style: chr4-187534362-C-T.
Other names: short protein forms A3122T.
Identifiers: ClinVar variation 2420646 (VCV002420646.5), dbSNP rs375701023, ClinGen allele CA3165649.

ClinVar aggregate classification (germline): Uncertain significance (1 of 4 stars; one submission).

Allele frequency attached by ClinVar (database versions not stated): ExAC 0.00002; gnomAD 0.00003; gnomAD exomes 0.00006; ESP Exome Variant Server 0.00008.
gnomAD v4.1: 104 of 1,613,678 alleles (0.0064%); highest among the groups gnomAD compares: Non-Finnish European, 0.0078%; no homozygotes.

Submission:

Labcorp Genetics (formerly Invitae), Labcorp
Classification: Uncertain significance. Last evaluated: 2022-02-02. Review status: criteria provided, single submitter. Criteria: Invitae Variant Classification Sherloc (09022015). Collection method: clinical testing. Allele origin: germline.
Comment: This sequence change replaces alanine, which is neutral and non-polar, with threonine, which is neutral and polar, at codon 3122 of the FAT1 protein (p.Ala3122Thr). This variant is present in population databases (rs375701023, gnomAD 0.007%). This variant has not been reported in the literature in individuals affected with FAT1-related conditions. Algorithms developed to predict the effect of missense changes on protein structure and function output the following: SIFT: "Tolerated"; PolyPhen-2: "Benign"; Align-GVGD: "Class C0". The threonine amino acid residue is found in multiple mammalian species, which suggests that this missense change does not adversely affect protein function. In summary, the available evidence is currently insufficient to determine the role of this variant in disease. Therefore, it has been classified as a Variant of Uncertain Significance.